The following is an entry in ClinVar:

NM_018979.4(WNK1):c.3755A>T (p.His1252Leu)

Gene: WNK1 (WNK lysine deficient protein kinase 1; plus strand). Cytogenetic location: 12p13.33.
Variant type: single nucleotide variant.
Coding change: c.3755A>T on transcript NM_018979.4 (MANE Select); coding-DNA position 3755, A replaced by T.
Protein change: p.His1252Leu; replaces histidine 1252 with leucine.
Molecular consequence: missense variant.
Genome position (GRCh38, 1-based): chr12:884,154, A>T. VCF-style: chr12-884154-A-T. GRCh37 (hg19) VCF-style: chr12-993320-A-T.
Other names: c.4535A>T, p.His1512Leu (NM_001184985.2); c.3014A>T, p.His1005Leu (NM_014823.3); c.4511A>T, p.His1504Leu (NM_213655.5); short protein forms H1005L, H1252L, H1504L, H1512L.
Identifiers: ClinVar variation 4534966 (VCV004534966.6).

ClinVar aggregate classification (germline): Uncertain significance (1 of 4 stars; one submission).

Submission:

CeGaT Center for Human Genetics Tuebingen
Classification: Uncertain significance. Last evaluated: 2025-10-01. Review status: criteria provided, single submitter. Criteria: CeGaT Center For Human Genetics Tuebingen Variant Classification Criteria Version 2. Collection method: clinical testing. Allele origin: germline. Affected: yes. Observed: 1 variant allele.
Comment: WNK1: PM2